The following is an entry in ClinVar:

ClinVar aggregate classification (germline): Uncertain significance (1 of 4 stars; one submission).

Submission:

Labcorp Genetics (formerly Invitae), Labcorp
Classification: Uncertain significance. Last evaluated: 2021-12-25. Review status: criteria provided, single submitter. Criteria: Invitae Variant Classification Sherloc (09022015). Collection method: clinical testing. Allele origin: germline.
Comment: In summary, the available evidence is currently insufficient to determine the role of this variant in disease. Therefore, it has been classified as a Variant of Uncertain Significance. Algorithms developed to predict the effect of missense changes on protein structure and function are either unavailable or do not agree on the potential impact of this missense change (SIFT: "Deleterious"; PolyPhen-2: "Probably Damaging"; Align-GVGD: "Class C0"). This sequence change replaces glutamic acid, which is acidic and polar, with aspartic acid, which is acidic and polar, at codon 282 of the VCAN protein (p.Glu282Asp). This variant is not present in population databases (gnomAD no frequency). This variant has not been reported in the literature in individuals affected with VCAN-related conditions.

NM_004385.5(VCAN):c.846A>T (p.Glu282Asp)

Gene: VCAN (versican; plus strand). Cytogenetic location: 5q14.3.
Variant type: single nucleotide variant.
Coding change: c.846A>T on transcript NM_004385.5 (MANE Select); coding-DNA position 846, A replaced by T.
Protein change: p.Glu282Asp; replaces glutamic acid 282 with aspartic acid.
Molecular consequence: missense variant.
Genome position (GRCh38, 1-based): chr5:83,512,200, A>T. VCF-style: chr5-83512200-A-T. GRCh37 (hg19) VCF-style: chr5-82808019-A-T.
Other names: c.846A>T, p.Glu282Asp (NM_001126336.3, NM_001164097.2, NM_001164098.2); short protein forms E282D.
Identifiers: ClinVar variation 1919987 (VCV001919987.5), dbSNP rs201395377, ClinGen allele CA360298033.